The following is an entry in ClinVar:

ClinVar aggregate classification (germline): Uncertain significance (1 of 4 stars; one submission).

Allele frequency attached by ClinVar (database versions not stated): ExAC 0.00001.

Submission:

Labcorp Genetics (formerly Invitae), Labcorp
Classification: Uncertain significance. Last evaluated: 2025-08-26. Review status: criteria provided, single submitter. Criteria: Invitae Variant Classification Sherloc (09022015). Collection method: clinical testing. Allele origin: germline.
Comment: This sequence change replaces aspartic acid, which is acidic and polar, with histidine, which is basic and polar, at codon 68 of the ZNF513 protein (p.Asp68His). This variant is present in population databases (rs745452784, gnomAD 0.003%). This variant has not been reported in the literature in individuals affected with ZNF513-related conditions. ClinVar contains an entry for this variant (Variation ID: 1937090). An algorithm developed to predict the effect of missense changes on protein structure and function (PolyPhen-2) suggests that this variant is likely to be disruptive. In summary, the available evidence is currently insufficient to determine the role of this variant in disease. Therefore, it has been classified as a Variant of Uncertain Significance.

NM_144631.6(ZNF513):c.202G>C (p.Asp68His)

Gene: ZNF513 (zinc finger protein 513; minus strand). Cytogenetic location: 2p23.3.
Variant type: single nucleotide variant.
Coding change: c.202G>C on transcript NM_144631.6 (MANE Select); coding-DNA position 202, G replaced by C.
Protein change: p.Asp68His; replaces aspartic acid 68 with histidine.
Molecular consequence: missense variant.
Genome position (GRCh38, 1-based): chr2:27,380,102, C>G on the plus strand (G>C on the coding strand, the complement: ZNF513 is on the minus strand). VCF-style: chr2-27380102-C-G. GRCh37 (hg19) VCF-style: chr2-27602969-C-G.
Other names: c.16G>C, p.Asp6His (NM_001201459.2); short protein forms D68H, D6H.
Identifiers: ClinVar variation 1937090 (VCV001937090.5), dbSNP rs745452784, ClinGen allele CA1578132.